The following is an entry in ClinVar:

NM_001134363.3(RBM20):c.3622G>A (p.Ala1208Thr)

Gene: RBM20 (RNA binding motif protein 20; plus strand). Cytogenetic location: 10q25.2.
Variant type: single nucleotide variant.
Coding change: c.3622G>A on transcript NM_001134363.3 (MANE Select); coding-DNA position 3622, G replaced by A.
Protein change: p.Ala1208Thr; replaces alanine 1208 with threonine.
Molecular consequence: missense variant.
Genome position (GRCh38, 1-based): chr10:110,835,916, G>A. VCF-style: chr10-110835916-G-A. GRCh37 (hg19) VCF-style: chr10-112595674-G-A.
Other names: short protein forms A1208T.
Identifiers: ClinVar variation 3431245 (VCV003431245.1).

ClinVar aggregate classification (germline): Uncertain significance (1 of 4 stars; one submission).

Conditions:
Cardiovascular phenotype. Identifiers: MedGen CN230736.

gnomAD v4.1: 3 of 1,532,638 alleles (0.0002%); highest among the groups gnomAD compares: Non-Finnish European, 0.00027%; no homozygotes.

Submission:

Ambry Genetics
Classification: Uncertain significance for Cardiovascular phenotype. Last evaluated: 2024-10-19. Review status: criteria provided, single submitter. Criteria: Ambry Variant Classification Scheme 2023. Collection method: clinical testing. Allele origin: germline.
Comment: The p.A1208T variant (also known as c.3622G>A), located in coding exon 14 of the RBM20 gene, results from a G to A substitution at nucleotide position 3622. The alanine at codon 1208 is replaced by threonine, an amino acid with similar properties. This amino acid position is conserved. In addition, this alteration is predicted to be tolerated by in silico analysis. Based on the available evidence, the clinical significance of this variant remains unclear.